The following is an entry in ClinVar:

ClinVar aggregate classification (germline): Conflicting classifications of pathogenicity. Review status: criteria provided, conflicting classifications (1 of 4 stars). 2 submissions from 2 submitters: Uncertain significance (1); Likely benign (1). Last evaluated 2026-02-09.

Conditions:
Hereditary cancer-predisposing syndrome. Also called: Neoplastic Syndromes, Hereditary; Hereditary Cancer Syndrome; Hereditary neoplastic syndrome; Tumor predisposition. Identifiers: Orphanet 140162, MedGen C0027672, MeSH D009386, MONDO:0015356.
Mitochondrial complex II deficiency, nuclear type 1. Also called: SUCCINATE CoQ REDUCTASE DEFICIENCY. Identifiers: Orphanet 3208, MedGen C5700310, MONDO:0100294, OMIM 252011.
Pheochromocytoma/paraganglioma syndrome 5. Also called: Paragangliomas 5; SDHA-Related Hereditary Paraganglioma-Pheochromocytoma Syndrome. Identifiers: Orphanet 29072, MedGen C3279992, MONDO:0013602, OMIM 614165.

Allele frequency attached by ClinVar (database versions not stated): gnomAD exomes below 0.00001; gnomAD 0.00001.

Submissions (2):

Ambry Genetics
Classification: Likely benign for Hereditary cancer-predisposing syndrome. Last evaluated: 2026-02-09. Review status: criteria provided, single submitter. Criteria: Ambry Variant Classification Scheme 2023. Collection method: clinical testing. Allele origin: germline.

Labcorp Genetics (formerly Invitae), Labcorp
Classification: Uncertain significance for Pheochromocytoma/paraganglioma syndrome 5; Mitochondrial complex II deficiency, nuclear type 1. Last evaluated: 2021-10-29. Review status: criteria provided, single submitter. Criteria: Invitae Variant Classification Sherloc (09022015). Collection method: clinical testing. Allele origin: germline.
Comment: This variant has not been reported in the literature in individuals affected with SDHA-related conditions. This variant is present in population databases (no rsID available, gnomAD 0.007%). This sequence change replaces lysine, which is basic and polar, with asparagine, which is neutral and polar, at codon 547 of the SDHA protein (p.Lys547Asn). Advanced modeling of protein sequence and biophysical properties (such as structural, functional, and spatial information, amino acid conservation, physicochemical variation, residue mobility, and thermodynamic stability) performed at Invitae indicates that this missense variant is not expected to disrupt SDHA protein function. In summary, the available evidence is currently insufficient to determine the role of this variant in disease. Therefore, it has been classified as a Variant of Uncertain Significance.

NM_004168.4(SDHA):c.1641G>C (p.Lys547Asn)

Gene: SDHA (succinate dehydrogenase complex flavoprotein subunit A; plus strand). Cytogenetic location: 5p15.33.
Variant type: single nucleotide variant.
Coding change: c.1641G>C on transcript NM_004168.4 (MANE Select); coding-DNA position 1641, G replaced by C.
Protein change: p.Lys547Asn; replaces lysine 547 with asparagine.
Molecular consequence: missense variant. On other transcripts: intron variant (1).
Genome position (GRCh38, 1-based): chr5:251,081, G>C. VCF-style: chr5-251081-G-C. GRCh37 (hg19) VCF-style: chr5-251196-G-C.
Other names: c.1641G>C (NM_004168.2); c.1497G>C, p.Lys499Asn (NM_001294332.2); c.1552-3312G>C (NM_001330758.2); short protein forms K499N, K547N.
Identifiers: ClinVar variation 1481398 (VCV001481398.8), dbSNP rs1267429398, ClinGen allele CA358998809.
Genomic context (GRCh38, chr5:251,081, plus strand): 5'-TGTGGGAAGCGTGTTGCAAGAAGGTTGTGGGAAAATCAGCAAGCTCTATGGAGACCTAAA[G>C]CACCTGAAGACGTTCGACCGGGGTGAGCAGACAGTGGGCTCTGTGCACACTGTTGGGCCC-3'
Protein context (NP_004159.2, residues 537-557): GKISKLYGDL[Lys547Asn]HLKTFDRGMV